The following is an entry in ClinVar:

NM_001386135.1(AFF3):c.759G>A (p.Ser253=)

Gene: AFF3 (ALF transcription elongation factor 3; minus strand). Cytogenetic location: 2q11.2.
Variant type: single nucleotide variant.
Coding change: c.759G>A on transcript NM_001386135.1 (MANE Select); coding-DNA position 759, G replaced by A.
Protein change: p.Ser253=; no amino-acid change (serine 253 retained).
Molecular consequence: synonymous variant.
Genome position (GRCh38, 1-based): chr2:100,006,746, C>T on the plus strand (G>A on the coding strand, the complement: AFF3 is on the minus strand). VCF-style: chr2-100006746-C-T. GRCh37 (hg19) VCF-style: chr2-100623208-C-T.
Other names: c.834G>A, p.Ser278= (NM_001025108.2); c.759G>A, p.Ser253= (NM_002285.3).
Identifiers: ClinVar variation 2651199 (VCV002651199.24), dbSNP rs371774868, ClinGen allele CA1801440.
Genomic context (GRCh38, chr2:100,006,746, plus strand): 5'-CTCCGGCTTGCTGGCAGGGACTCCCCTGTATGATGTGCAGTGCACGCTGGTTTCCGAAGA[C>T]GACTTCAGCTTAGGAGACTCATCAGGGGCCTGATCTTGGCCGTCCATTGGCCTCACATAC-3'
Protein context (NP_001373064.1, residues 243-263): QAPDESPKLK[Ser253=]SSETSVHCTS

ClinVar aggregate classification (germline): Likely benign (1 of 4 stars; one submission).

Allele frequency attached by ClinVar (database versions not stated): gnomAD exomes 0.00009; ExAC 0.00012; ESP Exome Variant Server 0.00023; gnomAD 0.00030; TOPMed 0.00038.
gnomAD v4.1: 183 of 1,614,176 alleles (0.011%); highest among the groups gnomAD compares: Middle Eastern, 0.066%; 1 homozygote.

Submission:

CeGaT Center for Human Genetics Tuebingen
Classification: Likely benign. Last evaluated: 2024-01-01. Review status: criteria provided, single submitter. Criteria: CeGaT Center For Human Genetics Tuebingen Variant Classification Criteria Version 2. Collection method: clinical testing. Allele origin: germline. Affected: yes. Observed: 2 variant alleles.
Comment: AFF3: BP4, BP7